The following is an entry in ClinVar:

ClinVar aggregate classification (germline): Uncertain significance (1 of 4 stars; one submission).

Conditions:
Pontocerebellar hypoplasia type 1B. Also called: EXOSC3 Pontocerebellar Hypoplasia. Identifiers: Orphanet 2254, MedGen C3553449, MONDO:0013853, OMIM 614678.

Submission:

Dasa
Classification: Uncertain significance for Pontocerebellar hypoplasia type 1B. Last evaluated: 2025-11-09. Review status: criteria provided, single submitter. Criteria: DASA Assertion Criteria. Collection method: clinical testing. Allele origin: germline.
Comment: NM_016042.4(EXOSC3):c.235C>G (p.Leu79Val) is a missense variant that results in the substitution of leucine with valine. This variant is absent from population databases. Computational prediction algorithms are consistent with a benign effect. The currently available literature and clinical evidence are not sufficient to establish a definitive association between this variant and the reported condition. Therefore, this variant is classified as a variant of uncertain significance.

NM_016042.4(EXOSC3):c.235C>G (p.Leu79Val)

Gene: EXOSC3 (exosome component 3; minus strand). Cytogenetic location: 9p13.2.
Variant type: single nucleotide variant.
Coding change: c.235C>G on transcript NM_016042.4 (MANE Select); coding-DNA position 235, C replaced by G.
Protein change: p.Leu79Val; replaces leucine 79 with valine.
Molecular consequence: missense variant.
Genome position (GRCh38, 1-based): chr9:37,784,810, G>C on the plus strand (C>G on the coding strand, the complement: EXOSC3 is on the minus strand). VCF-style: chr9-37784810-G-C. GRCh37 (hg19) VCF-style: chr9-37784807-G-C.
Other names: c.235C>G, p.Leu79Val (NM_001002269.2); short protein forms L79V.
Identifiers: ClinVar variation 4881548 (VCV004881548.2).